The following is an entry in ClinVar:

ClinVar aggregate classification (germline): Uncertain significance (1 of 4 stars; one submission).

Conditions:
Arrhythmogenic right ventricular dysplasia 13. Also called: Arrhythmogenic right ventricular dysplasia, familial, 13; ARRHYTHMOGENIC RIGHT VENTRICULAR CARDIOMYOPATHY 13. Identifiers: MedGen C3810138, MONDO:0000908, OMIM 615616.

Allele frequency attached by ClinVar (database versions not stated): TOPMed below 0.00001.
gnomAD v4.1: 2 of 1,611,966 alleles (0.00012%); highest among the groups gnomAD compares: Non-Finnish European, 0.00017%; no homozygotes.

Submission:

Labcorp Genetics (formerly Invitae), Labcorp
Classification: Uncertain significance for Arrhythmogenic right ventricular dysplasia 13. Last evaluated: 2023-09-08. Review status: criteria provided, single submitter. Criteria: Invitae Variant Classification Sherloc (09022015). Collection method: clinical testing. Allele origin: germline.
Comment: This sequence change affects a donor splice site in intron 14 of the CTNNA3 gene. It is expected to disrupt RNA splicing. Variants that disrupt the donor or acceptor splice site typically lead to a loss of protein function (PMID: 16199547), however the current clinical and genetic evidence is not sufficient to establish whether loss-of-function variants in CTNNA3 cause disease. In summary, the available evidence is currently insufficient to determine the role of this variant in disease. Therefore, it has been classified as a Variant of Uncertain Significance. Algorithms developed to predict the effect of sequence changes on RNA splicing suggest that this variant may disrupt the consensus splice site. This variant has not been reported in the literature in individuals affected with CTNNA3-related conditions. This variant is not present in population databases (gnomAD no frequency).

Literature cited by the submitters: PubMed 16199547.

NM_013266.4(CTNNA3):c.1977+1G>A

Genes: CTNNA3 (catenin alpha 3; minus strand), CTNNA3-AS1 (CTNNA3 antisense RNA 1; plus strand). Cytogenetic location: 10q21.3.
Variant type: single nucleotide variant.
Coding change: c.1977+1G>A on transcript NM_013266.4 (MANE Select); the canonical splice donor site of the intron after coding-DNA position 1977, G replaced by A.
Molecular consequence: splice donor variant.
Genome position (GRCh38, 1-based): chr10:66,103,156, C>T on the plus strand (G>A on the coding strand, the complement: CTNNA3 is on the minus strand). VCF-style: chr10-66103156-C-T. GRCh37 (hg19) VCF-style: chr10-67862914-C-T.
Other names: c.1977+1G>A (NM_001127384.3).
Identifiers: ClinVar variation 3004875 (VCV003004875.3), dbSNP rs2081718856, ClinGen allele CA377090628.